The following is an entry in ClinVar:

ClinVar aggregate classification (germline): Uncertain significance. Review status: criteria provided, multiple submitters, no conflicts (2 of 4 stars). 10 submissions from 7 submitters: Uncertain significance (8). 2 of the submissions do not count toward it. Last evaluated 2024-06-07.

Conditions:
Holoprosencephaly 3 (HPE3). Identifiers: Orphanet 2162, MedGen C1840529, MONDO:0007733, OMIM 142945.
Solitary median maxillary central incisor syndrome. Also called: Solitary median maxillary central incisor; SMMCI SYNDROME; FUSED INCISORS; Single Central Incisor Syndrome; SINGLE CENTRAL MAXILLARY INCISOR. Identifiers: MedGen C1840235, MONDO:0007819, OMIM 147250, HP:0006315.
Microphthalmia, isolated, with coloboma 5 (MCOPCB5). Also called: MICROPHTHALMIA/COLOBOMA 5; Microphthalmia with Coloboma 5. Identifiers: Orphanet 98938, MedGen C1968843, MONDO:0012709, OMIM 611638.
Schizencephaly. Identifiers: Orphanet 799, MedGen C0266484, MONDO:0010011, OMIM 269160, HP:0010636.

Allele frequency attached by ClinVar (database versions not stated): ExAC below 0.00001; gnomAD 0.00001; gnomAD exomes 0.00001; TOPMed 0.00001.

Submissions (10):

Blueprint Genetics
Classification: Uncertain significance. Last evaluated: 2024-06-07. Review status: criteria provided, single submitter. Criteria: ACMG Guidelines, 2015. Collection method: clinical testing. Allele origin: germline.

Labcorp Genetics (formerly Invitae), Labcorp
Classification: Uncertain significance for Holoprosencephaly 3. Last evaluated: 2022-09-14. Review status: criteria provided, single submitter. Criteria: Invitae Variant Classification Sherloc (09022015). Collection method: clinical testing. Allele origin: germline.
Comment: ClinVar contains an entry for this variant (Variation ID: 8886). Advanced modeling of protein sequence and biophysical properties (such as structural, functional, and spatial information, amino acid conservation, physicochemical variation, residue mobility, and thermodynamic stability) performed at Invitae indicates that this missense variant is not expected to disrupt SHH protein function. Experimental studies are conflicting or provide insufficient evidence to determine the effect of this variant on SHH function (PMID: 15292211, 32939873). In summary, the available evidence is currently insufficient to determine the role of this variant in disease. Therefore, it has been classified as a Variant of Uncertain Significance. This variant is also known as Ala384Thr. This sequence change replaces alanine, which is neutral and non-polar, with threonine, which is neutral and polar, at codon 383 of the SHH protein (p.Ala383Thr). This variant is present in population databases (rs137853341, gnomAD no frequency). This missense change has been observed in individual(s) with holoprosencephaly (PMID: 9302262).

Centre for Mendelian Genomics, University Medical Centre Ljubljana
Classification: Uncertain significance for Schizencephaly. Last evaluated: 2020-01-29. Review status: criteria provided, single submitter. Criteria: ACMG Guidelines, 2015. Collection method: clinical testing. Allele origin: unknown. Affected: yes.
Comment: This variant was classified as: Uncertain significance. The available evidence on this variant's pathogenicity is insufficient or conflicting. The following ACMG criteria were applied in classifying this variant: PM2,PP3.

Revvity Omics, Revvity
Classification: Uncertain significance. Last evaluated: 2019-12-18. Review status: criteria provided, single submitter. Criteria: ACMG Guidelines, 2015. Collection method: clinical testing. Allele origin: germline.

Genomic Research Center, Shahid Beheshti University of Medical Sciences
Classification: Uncertain significance for Holoprosencephaly 3. Last evaluated: 2018-03-05. Review status: criteria provided, single submitter. Criteria: ACMG Guidelines, 2015. Collection method: clinical testing. Allele origin: inherited. Affected: no. Observed: 1 variant allele.

Genomic Research Center, Shahid Beheshti University of Medical Sciences
Classification: Uncertain significance for Schizencephaly. Last evaluated: 2018-03-05. Review status: criteria provided, single submitter. Criteria: ACMG Guidelines, 2015. Collection method: clinical testing. Allele origin: inherited. Affected: no. Observed: 1 variant allele.

Genomic Research Center, Shahid Beheshti University of Medical Sciences
Classification: Uncertain significance for Microphthalmia, isolated, with coloboma 5. Last evaluated: 2018-03-05. Review status: criteria provided, single submitter. Criteria: ACMG Guidelines, 2015. Collection method: clinical testing. Allele origin: inherited. Affected: no. Observed: 1 variant allele.

Genomic Research Center, Shahid Beheshti University of Medical Sciences
Classification: Uncertain significance for Single Central Incisor Syndrome. Last evaluated: 2018-03-05. Review status: criteria provided, single submitter. Criteria: ACMG Guidelines, 2015. Collection method: clinical testing. Allele origin: inherited. Affected: no. Observed: 1 variant allele.

GeneReviews
Classification: Pathogenic for Holoprosencephaly. Last evaluated: 2013-08-29. Review status: no assertion criteria provided. Collection method: curation. Allele origin: unknown. Not counted in ClinVar's aggregate classification.
ClinVar note: Converted during submission from pathologic to Pathogenic.

OMIM
Classification: Pathogenic for HOLOPROSENCEPHALY 3. Last evaluated: 1997-10-01. Review status: no assertion criteria provided. Collection method: literature only. Allele origin: germline. Not counted in ClinVar's aggregate classification.

Literature cited by the submitters: PubMed 15292211 (cited by Labcorp Genetics (formerly Invitae), Labcorp); PubMed 32939873 (cited by Labcorp Genetics (formerly Invitae), Labcorp); PubMed 9302262 (cited by Labcorp Genetics (formerly Invitae), Labcorp and OMIM).

NM_000193.4(SHH):c.1147G>A (p.Ala383Thr)

Gene: SHH (sonic hedgehog signaling molecule; minus strand). Cytogenetic location: 7q36.3.
Variant type: single nucleotide variant.
Coding change: c.1147G>A on transcript NM_000193.4 (MANE Select); coding-DNA position 1147, G replaced by A.
Protein change: p.Ala383Thr; replaces alanine 383 with threonine.
Molecular consequence: missense variant. On other transcripts: intron variant (1).
Genome position (GRCh38, 1-based): chr7:155,803,142, C>T on the plus strand (G>A on the coding strand, the complement: SHH is on the minus strand). VCF-style: chr7-155803142-C-T. GRCh37 (hg19) VCF-style: chr7-155595836-C-T.
Other names: A384T; c.1147G>A; c.302-2897G>A (NM_001310462.2); short protein forms A383T.
Identifiers: ClinVar variation 8886 (VCV000008886.19), dbSNP rs137853341, ClinGen allele CA340839.